The following is an entry in ClinVar:

ClinVar aggregate classification (germline): Uncertain significance. Review status: criteria provided, multiple submitters, no conflicts (2 of 4 stars). 2 submissions from 2 submitters: Uncertain significance (2). Last evaluated 2025-11-10.

Conditions:
Melanoma, cutaneous malignant, susceptibility to, 5. Also called: Cutaneous malignant melanoma 5. Identifiers: Orphanet 618, MedGen C2751295, MONDO:0013133, OMIM 613099.

Allele frequency attached by ClinVar (database versions not stated): gnomAD exomes 0.00010 and 0.00005; gnomAD 0.00002 and 0.00004; ExAC 0.00003; TOPMed 0.00006.
gnomAD v4.1: 74 of 1,613,896 alleles (0.0046%); highest among the groups gnomAD compares: Middle Eastern, 0.049%; 1 homozygote.

Submissions (2):

Labcorp Genetics (formerly Invitae), Labcorp
Classification: Uncertain significance for Melanoma, cutaneous malignant, susceptibility to, 5. Last evaluated: 2025-11-10. Review status: criteria provided, single submitter. Criteria: Invitae Variant Classification Sherloc (09022015). Collection method: clinical testing. Allele origin: germline.
Comment: This sequence change replaces threonine, which is neutral and polar, with methionine, which is neutral and non-polar, at codon 308 of the MC1R protein (p.Thr308Met). This variant is present in population databases (rs375127718, gnomAD 0.04%). This missense change has been observed in individual(s) with melanoma (PMID: 15221796, 19799798, 23647022, 24335900). ClinVar contains an entry for this variant (Variation ID: 847239). Invitae Evidence Modeling of protein sequence and biophysical properties (such as structural, functional, and spatial information, amino acid conservation, physicochemical variation, residue mobility, and thermodynamic stability) indicates that this missense variant is expected to disrupt MC1R protein function with a positive predictive value of 80%. In summary, the available evidence is currently insufficient to determine the role of this variant in disease. Therefore, it has been classified as a Variant of Uncertain Significance.

ARUP Laboratories, Molecular Genetics and Genomics, ARUP Laboratories
Classification: Uncertain significance. Last evaluated: 2025-05-07. Review status: criteria provided, single submitter. Criteria: ARUP Molecular Germline Variant Investigation Process 2024. Collection method: clinical testing. Allele origin: germline.
Comment: The MC1R c.923C>T; p.Thr308Met variant (rs375127718, ClinVar Variation ID: 847239) is reported in the literature in individuals affected with melanoma (Casula 2009, Ibarrola-Villava 2014, Pastorino 2004, Puig-Butille 2013). This variant is found in the general population with an overall allele frequency of 0.009% (26/280,354 alleles) in the Genome Aggregation Database (v2.1.1). Computational analyses are uncertain whether this variant is neutral or deleterious (REVEL: 0.318). Due to limited information, the clinical significance of this variant is uncertain at this time. References: Casula M et al. Role of key-regulator genes in melanoma susceptibility and pathogenesis among patients from South Italy. BMC Cancer. 2009 Oct 3;9:352. PMID: 19799798. Ibarrola-Villava M et al. Modeling MC1R rare variants: a structural evaluation of variants detected in a Mediterranean case-control study. J Invest Dermatol. 2014 Apr;134(4):1146-1149. PMID: 24335900. Pastorino L et al. Novel MC1R variants in Ligurian melanoma patients and controls. Hum Mutat. 2004 Jul;24(1):103. PMID: 15221796. Puig-Butille JA et al. Distribution of MC1R variants among melanoma subtypes: p.R163Q is associated with lentigo maligna melanoma in a Mediterranean population. Br J Dermatol. 2013 Oct;169(4):804-11. PMID: 23647022.

Literature cited by the submitters: PubMed 15221796 (cited by Labcorp Genetics (formerly Invitae), Labcorp); PubMed 19799798 (cited by Labcorp Genetics (formerly Invitae), Labcorp); PubMed 23647022 (cited by Labcorp Genetics (formerly Invitae), Labcorp); PubMed 24335900 (cited by Labcorp Genetics (formerly Invitae), Labcorp).

NM_002386.4(MC1R):c.923C>T (p.Thr308Met)

Gene: MC1R (melanocortin 1 receptor; plus strand). Cytogenetic location: 16q24.3.
Variant type: single nucleotide variant.
Coding change: c.923C>T on transcript NM_002386.4 (MANE Select); coding-DNA position 923, C replaced by T.
Protein change: p.Thr308Met; replaces threonine 308 with methionine.
Molecular consequence: missense variant.
Genome position (GRCh38, 1-based): chr16:89,920,181, C>T. VCF-style: chr16-89920181-C-T. GRCh37 (hg19) VCF-style: chr16-89986589-C-T.
Other names: short protein forms T308M.
Identifiers: ClinVar variation 847239 (VCV000847239.8), dbSNP rs375127718, ClinGen allele CA8255814.
Genomic context (GRCh38, chr16:89,920,181, plus strand): 5'-TCTGCAATGCCATCATCGACCCCCTCATCTACGCCTTCCACAGCCAGGAGCTCCGCAGGA[C>T]GCTCAAGGAGGTGCTGACATGCTCCTGGTGAGCGCGGTGCACGCGGCTTTAAGTGTGCTG-3'
Protein context (NP_002377.4, residues 298-317): YAFHSQELRR[Thr308Met]LKEVLTCSW